The following is an entry in ClinVar:

ClinVar aggregate classification (germline): Uncertain significance. Review status: criteria provided, multiple submitters, no conflicts (2 of 4 stars). 5 submissions from 5 submitters: Uncertain significance (4). 1 of the submissions does not count toward it. Last evaluated 2026-08-24.

Conditions:
ERCC2-related disorder. Also called: ERCC2-related disorders; ERCC2-related conditions; ERCC2-related condition. Identifiers: MedGen CN239291.
Xeroderma pigmentosum (XP). Identifiers: Orphanet 910, MedGen C0043346, MONDO:0019600.
Xeroderma pigmentosum, group D (XPD). Also called: XERODERMA PIGMENTOSUM IV; XP, GROUP D; XP, GROUP H; XERODERMA PIGMENTOSUM, COMPLEMENTATION GROUP D; ERCC2-Related Xeroderma Pigmentosum. Identifiers: MedGen C0268138, MONDO:0010212, OMIM 278730.

Allele frequency attached by ClinVar (database versions not stated): gnomAD 0.00005; TOPMed 0.00007; ESP Exome Variant Server 0.00008; ExAC 0.00015; 1000 Genomes Project 30x 0.00016; 1000 Genomes Project 0.00020.
gnomAD v4.1: 310 of 1,614,064 alleles (0.019%); highest among the groups gnomAD compares: Admixed American, 0.03%; no homozygotes.

Submissions (5):

Myriad Genetics, Inc.
Classification: Uncertain significance for ERCC2-related disorder. Last evaluated: 2026-08-24. Review status: criteria provided, single submitter. Criteria: Myriad Autosomal Dominant, Autosomal Recessive and X-Linked Classification Criteria (2023). Collection method: clinical testing. Allele origin: unknown.
Comment: NM_000400.3(ERCC2):c.2128G>A(V710M) is a missense variant classified as a variant of uncertain significance in the context of ERCC2-related disorders. V710M has not been observed in cases with relevant disease. Relevant functional assessments of this variant are not available in the literature. V710M has been observed in referenced population frequency databases. In summary, there is insufficient evidence to classify NM_000400.3(ERCC2):c.2128G>A(V710M) as pathogenic or benign. Please note: this variant was assessed in the context of healthy population screening.

Labcorp Genetics (formerly Invitae), Labcorp
Classification: Uncertain significance. Last evaluated: 2022-06-14. Review status: criteria provided, single submitter. Criteria: Invitae Variant Classification Sherloc (09022015). Collection method: clinical testing. Allele origin: germline.
Comment: This sequence change replaces valine, which is neutral and non-polar, with methionine, which is neutral and non-polar, at codon 710 of the ERCC2 protein (p.Val710Met). This variant is present in population databases (rs141808167, gnomAD 0.03%). This variant has not been reported in the literature in individuals affected with ERCC2-related conditions. ClinVar contains an entry for this variant (Variation ID: 134104). Algorithms developed to predict the effect of missense changes on protein structure and function (SIFT, PolyPhen-2, Align-GVGD) all suggest that this variant is likely to be tolerated. In summary, the available evidence is currently insufficient to determine the role of this variant in disease. Therefore, it has been classified as a Variant of Uncertain Significance.

Sema4
Classification: Uncertain significance for Xeroderma pigmentosum. Last evaluated: 2021-10-12. Review status: criteria provided, single submitter. Criteria: Sema4 Curation Guidelines. Collection method: curation. Allele origin: germline.
Comment: The ERCC2 c.2128G>A (p.V710M) variant has not been reported in the literature to our knowledge. It was observed in 12/35430 chromosomes of the Latino subpopulation, with no homozygotes, in the large and broad cohorts of the Genome Aggregation Database (PMID: 32461654). The variant has been reported in ClinVar (Variation ID 134104). Functional studies have not been performed, and in silico predictions of the variant's effect on protein function are inconclusive. The evidence is insufficient to meet ACMG/AMP criteria for classifying the variant as benign or pathogenic. Thus, the clinical significance of this variant is currently uncertain.

Illumina Laboratory Services, Illumina
Classification: Uncertain significance for Xeroderma pigmentosum, group D. Last evaluated: 2017-04-28. Review status: criteria provided, single submitter. Criteria: ICSL Variant Classification Criteria 13 December 2019. Collection method: clinical testing. Allele origin: germline.

ITMI
No classification provided. Condition: AllHighlyPenetrant. Last evaluated: 2013-09-19. Review status: no classification provided. Collection method: reference population. Allele origin: germline. Not counted in ClinVar's aggregate classification.
Comment: Please see associated publication for description of ethnicities

Literature cited by the submitters: PubMed 24728327 (cited by ITMI).

NM_000400.4(ERCC2):c.2128G>A (p.Val710Met)

Gene: ERCC2 (ERCC excision repair 2, TFIIH core complex helicase subunit; minus strand). Cytogenetic location: 19q13.32.
Variant type: single nucleotide variant.
Coding change: c.2128G>A on transcript NM_000400.4 (MANE Select); coding-DNA position 2128, G replaced by A.
Protein change: p.Val710Met; replaces valine 710 with methionine.
Molecular consequence: missense variant.
Genome position (GRCh38, 1-based): chr19:45,352,271, C>T on the plus strand (G>A on the coding strand, the complement: ERCC2 is on the minus strand). VCF-style: chr19-45352271-C-T. GRCh37 (hg19) VCF-style: chr19-45855529-C-T.
Other names: short protein forms V710M.
Identifiers: ClinVar variation 134104 (VCV000134104.11), dbSNP rs141808167, ClinGen allele CA158779.